The following is an entry in ClinVar:

ClinVar aggregate classification (germline): Uncertain significance (1 of 4 stars; one submission).

Conditions:
X-linked Emery-Dreifuss muscular dystrophy. Also called: Muscular dystrophy, tardive Emery-Dreifuss type, with contractures. Identifiers: Orphanet 261, Orphanet 98863, MedGen C0751337, MONDO:0010680.

Allele frequency attached by ClinVar (database versions not stated): gnomAD 0.00001.
gnomAD v4.1: 1 of 1,208,428 alleles (0.000083%); highest among the groups gnomAD compares: Non-Finnish European, 0.00011%; no homozygotes.

Submission:

Labcorp Genetics (formerly Invitae), Labcorp
Classification: Uncertain significance for X-linked Emery-Dreifuss muscular dystrophy. Last evaluated: 2023-04-11. Review status: criteria provided, single submitter. Criteria: Invitae Variant Classification Sherloc (09022015). Collection method: clinical testing. Allele origin: germline.
Comment: This sequence change replaces serine, which is neutral and polar, with leucine, which is neutral and non-polar, at codon 29 of the EMD protein (p.Ser29Leu). In summary, the available evidence is currently insufficient to determine the role of this variant in disease. Therefore, it has been classified as a Variant of Uncertain Significance. Advanced modeling of protein sequence and biophysical properties (such as structural, functional, and spatial information, amino acid conservation, physicochemical variation, residue mobility, and thermodynamic stability) performed at Invitae indicates that this missense variant is expected to disrupt EMD protein function. This variant has not been reported in the literature in individuals affected with EMD-related conditions. This variant is present in population databases (no rsID available, gnomAD 0.001%).

NM_000117.3(EMD):c.86C>T (p.Ser29Leu)

Gene: EMD (emerin; plus strand). Cytogenetic location: Xq28.
Variant type: single nucleotide variant.
Coding change: c.86C>T on transcript NM_000117.3 (MANE Select); coding-DNA position 86, C replaced by T.
Protein change: p.Ser29Leu; replaces serine 29 with leucine.
Molecular consequence: missense variant.
Genome position (GRCh38, 1-based): chrX:154,379,693, C>T. VCF-style: chrX-154379693-C-T. GRCh37 (hg19) VCF-style: chrX-153608053-C-T.
Other names: short protein forms S29L.
Identifiers: ClinVar variation 2742631 (VCV002742631.3), dbSNP rs1414486158, ClinGen allele CA415257277.
Genomic context (GRCh38, chrX:154,379,693, plus strand): 5'-TGCCCTCCCCGCGCGCCTTCCCCGGCCCGCGGCCCTGACCGCCCCGTGTCCGGCCAGGAT[C>T]AACTCGTAGGCTTTACGAGAAGAAGATCTTCGAGTACGAGACCCAGAGGCGGCGGCTCTC-3'
Protein context (NP_000108.1, residues 19-39): YNIPHGPVVG[Ser29Leu]TRRLYEKKIF